The following is an entry in ClinVar:

NM_206933.4(USH2A):c.10398C>G (p.Leu3466=)

Gene: USH2A (usherin; minus strand). Cytogenetic location: 1q41.
Variant type: single nucleotide variant.
Coding change: c.10398C>G on transcript NM_206933.4 (MANE Select); coding-DNA position 10398, C replaced by G.
Protein change: p.Leu3466=; no amino-acid change (leucine 3466 retained).
Molecular consequence: synonymous variant.
Genome position (GRCh38, 1-based): chr1:215,782,925, G>C on the plus strand (C>G on the coding strand, the complement: USH2A is on the minus strand). VCF-style: chr1-215782925-G-C. GRCh37 (hg19) VCF-style: chr1-215956267-G-C.
Identifiers: ClinVar variation 228201 (VCV000228201.17), dbSNP rs563370514, ClinGen allele CA1394023.

ClinVar aggregate classification (germline): Likely benign. Review status: criteria provided, multiple submitters, no conflicts (2 of 4 stars). 5 submissions from 4 submitters: Likely benign (5). Last evaluated 2026-01-04.

Conditions:
Retinitis pigmentosa 39 (RP39). Identifiers: Orphanet 791, MedGen C3151138, MONDO:0013436, OMIM 613809.
Usher syndrome type 2A. Also called: RETINAL DISEASE IN USHER SYNDROME TYPE IIA, MODIFIER OF; USHER SYNDROME, TYPE IIA. Identifiers: Orphanet 231178, Orphanet 886, MedGen C1848634, MONDO:0010169, OMIM 276901.

Allele frequency attached by ClinVar (database versions not stated): TOPMed 0.00002; ExAC 0.00003.
gnomAD v4.1: 67 of 1,613,282 alleles (0.0042%); highest among the groups gnomAD compares: Non-Finnish European, 0.0056%; no homozygotes.

Submissions (5):

Labcorp Genetics (formerly Invitae), Labcorp
Classification: Likely benign. Last evaluated: 2026-01-04. Review status: criteria provided, single submitter. Criteria: Invitae Variant Classification Sherloc (09022015). Collection method: clinical testing. Allele origin: germline.

Blueprint Genetics
Classification: Likely benign. Last evaluated: 2024-09-30. Review status: criteria provided, single submitter. Criteria: ACMG Guidelines, 2015. Collection method: clinical testing. Allele origin: germline.

Genome-Nilou Lab
Classification: Likely benign for Retinitis pigmentosa 39. Last evaluated: 2023-11-04. Review status: criteria provided, single submitter. Criteria: ACMG Guidelines, 2015. Collection method: clinical testing. Allele origin: germline. Affected: no.

Genome-Nilou Lab
Classification: Likely benign for Usher syndrome type 2A. Last evaluated: 2023-11-04. Review status: criteria provided, single submitter. Criteria: ACMG Guidelines, 2015. Collection method: clinical testing. Allele origin: germline. Affected: no.

Laboratory for Molecular Medicine, Mass General Brigham Personalized Medicine
Classification: Likely benign. Last evaluated: 2015-11-10. Review status: criteria provided, single submitter. Criteria: LMM Criteria. Collection method: clinical testing. Allele origin: germline. Observed: 1 variant allele.
Comment: p.Leu3466Leu in exon 53 of USH2A: This variant is not expected to have clinical significance because it does not alter an amino acid residue and is not located within the splice consensus sequence. It has been identified in 4/63866 of Europ ean chromosomes by the Exome Aggregation Consortium (ExAC;dbSNP rs563370514).